The following is an entry in ClinVar:

ClinVar aggregate classification (germline): Uncertain significance (1 of 4 stars; one submission).

Conditions:
Neuroblastoma, susceptibility to, 3. Also called: ALK-Related Neuroblastic Tumor Susceptibility. Identifiers: Orphanet 635, MedGen C2751681, MONDO:0013083, OMIM 613014.

Allele frequency attached by ClinVar (database versions not stated): gnomAD exomes below 0.00001.
gnomAD v4.1: 1 of 1,614,134 alleles (0.000062%); highest among the groups gnomAD compares: Non-Finnish European, 0.000085%; no homozygotes.

Submission:

Labcorp Genetics (formerly Invitae), Labcorp
Classification: Uncertain significance for Neuroblastoma, susceptibility to, 3. Last evaluated: 2021-01-10. Review status: criteria provided, single submitter. Criteria: Invitae Variant Classification Sherloc (09022015). Collection method: clinical testing. Allele origin: germline.
Comment: This variant is not present in population databases (ExAC no frequency). This sequence change replaces alanine with threonine at codon 403 of the ALK protein (p.Ala403Thr). The alanine residue is moderately conserved and there is a small physicochemical difference between alanine and threonine. In summary, the available evidence is currently insufficient to determine the role of this variant in disease. Therefore, it has been classified as a Variant of Uncertain Significance. Algorithms developed to predict the effect of missense changes on protein structure and function are either unavailable or do not agree on the potential impact of this missense change (SIFT: "Deleterious"; PolyPhen-2: "Possibly Damaging"; Align-GVGD: "Class C0"). This variant has not been reported in the literature in individuals with ALK-related conditions.

NM_004304.5(ALK):c.1207G>A (p.Ala403Thr)

Gene: ALK (ALK receptor tyrosine kinase; minus strand). Cytogenetic location: 2p23.2.
Variant type: single nucleotide variant.
Coding change: c.1207G>A on transcript NM_004304.5 (MANE Select); coding-DNA position 1207, G replaced by A.
Protein change: p.Ala403Thr; replaces alanine 403 with threonine.
Molecular consequence: missense variant.
Genome position (GRCh38, 1-based): chr2:29,383,807, C>T on the plus strand (G>A on the coding strand, the complement: ALK is on the minus strand). VCF-style: chr2-29383807-C-T. GRCh37 (hg19) VCF-style: chr2-29606673-C-T.
Other names: short protein forms A403T.
Identifiers: ClinVar variation 1461333 (VCV001461333.8), dbSNP rs1267269954, ClinGen allele CA346585327.
Genomic context (GRCh38, chr2:29,383,807, plus strand): 5'-TCAGGGCAAAGAAGTCCACTGCAGACAAGCTGCGGTTTCCACTGGAGATGTATTCCAGGG[C>T]CACTCGAAATGGGTTGTCTGGACGCCCGATTCTTCCCTGGAGCACTGTCCAACTGGTTGC-3'
Protein context (NP_004295.2, residues 393-413): IGRPDNPFRV[Ala403Thr]LEYISSGNRS